The following is an entry in ClinVar:

NC_000015.10:g.84816992A>T

Gene: ALPK3 (alpha kinase 3; plus strand). Cytogenetic location: 15q25.3.
Variant type: single nucleotide variant.
Genome position: GRCh38 VCF-style: chr15-84816992-A-T. GRCh37 (hg19) VCF-style: chr15-85360223-A-T.
Other names: short protein forms D49V.
Identifiers: ClinVar variation 1525735 (VCV001525735.8), dbSNP rs371628844, ClinGen allele CA7708798.

ClinVar aggregate classification (germline): Uncertain significance. Review status: criteria provided, multiple submitters, no conflicts (2 of 4 stars). 2 submissions from 2 submitters: Uncertain significance (2). Last evaluated 2025-07-25.

Conditions:
Cardiovascular phenotype. Identifiers: MedGen CN230736.

Allele frequency attached by ClinVar (database versions not stated): ExAC 0.00001; gnomAD 0.00001; gnomAD exomes below 0.00001; TOPMed 0.00002; ESP Exome Variant Server 0.00008.

Submissions (2):

Labcorp Genetics (formerly Invitae), Labcorp
Classification: Uncertain significance. Last evaluated: 2025-07-25. Review status: criteria provided, single submitter. Criteria: Invitae Variant Classification Sherloc (09022015). Collection method: clinical testing. Allele origin: germline.
Comment: This sequence change replaces aspartic acid, which is acidic and polar, with valine, which is neutral and non-polar, at codon 49 of the ALPK3 protein (p.Asp49Val). This variant is present in population databases (rs371628844, gnomAD 0.007%). This variant has not been reported in the literature in individuals affected with ALPK3-related conditions. ClinVar contains an entry for this variant (Variation ID: 1525735). An algorithm developed to predict the effect of missense changes on protein structure and function (PolyPhen-2) suggests that this variant is likely to be disruptive. In summary, the available evidence is currently insufficient to determine the role of this variant in disease. Therefore, it has been classified as a Variant of Uncertain Significance.

Ambry Genetics
Classification: Uncertain significance for Cardiovascular phenotype. Last evaluated: 2023-12-23. Review status: criteria provided, single submitter. Criteria: Ambry Variant Classification Scheme 2023. Collection method: clinical testing. Allele origin: germline.
Comment: The p.D49V variant (also known as c.146A>T), located in coding exon 1 of the ALPK3 gene, results from an A to T substitution at nucleotide position 146. The aspartic acid at codon 49 is replaced by valine, an amino acid with highly dissimilar properties. This amino acid position is conserved. In addition, this alteration is predicted to be tolerated by in silico analysis. Since supporting evidence is limited at this time, the clinical significance of this alteration remains unclear.